The following is an entry in ClinVar:

NM_014994.3(MAPKBP1):c.2854G>A (p.Glu952Lys)

Gene: MAPKBP1 (mitogen-activated protein kinase binding protein 1; plus strand). Cytogenetic location: 15q15.1.
Variant type: single nucleotide variant.
Coding change: c.2854G>A on transcript NM_014994.3 (MANE Select); coding-DNA position 2854, G replaced by A.
Protein change: p.Glu952Lys; replaces glutamic acid 952 with lysine.
Molecular consequence: missense variant. On other transcripts: non-coding transcript variant (2).
Genome position (GRCh38, 1-based): chr15:41,821,719, G>A. VCF-style: chr15-41821719-G-A. GRCh37 (hg19) VCF-style: chr15-42113917-G-A.
Other names: c.2872G>A, p.Glu958Lys (NM_001128608.2); c.2854G>A, p.Glu952Lys (NM_001265611.2); short protein forms E952K, E958K.
Identifiers: ClinVar variation 2001941 (VCV002001941.4), dbSNP rs2551105801, ClinGen allele CA391872676.
Genomic context (GRCh38, chr15:41,821,719, plus strand): 5'-GAAGGGGTCTTTGCCCAAGATCTGGAACCTGCACCCATTGAAGATGGTATTGTCTACCCG[G>A]AGCCGAGTGACAACCCCACCATGGATACCAGGCAAGGATCCTGCCCTAGCCAGACCCCGT-3'
Protein context (NP_055809.2, residues 942-962): APIEDGIVYP[Glu952Lys]PSDNPTMDTS

ClinVar aggregate classification (germline): Uncertain significance (1 of 4 stars; one submission).

Submission:

Labcorp Genetics (formerly Invitae), Labcorp
Classification: Uncertain significance. Last evaluated: 2022-06-02. Review status: criteria provided, single submitter. Criteria: Invitae Variant Classification Sherloc (09022015). Collection method: clinical testing. Allele origin: germline.
Comment: In summary, the available evidence is currently insufficient to determine the role of this variant in disease. Therefore, it has been classified as a Variant of Uncertain Significance. Algorithms developed to predict the effect of missense changes on protein structure and function are either unavailable or do not agree on the potential impact of this missense change (SIFT: "Tolerated"; PolyPhen-2: "Possibly Damaging"; Align-GVGD: "Class C0"). This variant has not been reported in the literature in individuals affected with MAPKBP1-related conditions. This variant is not present in population databases (gnomAD no frequency). This sequence change replaces glutamic acid, which is acidic and polar, with lysine, which is basic and polar, at codon 958 of the MAPKBP1 protein (p.Glu958Lys).